The following is an entry in ClinVar:

NM_001080414.4(CCDC88C):c.4383C>G (p.Pro1461=)

Gene: CCDC88C (coiled-coil and HOOK domain protein 88C; minus strand). Cytogenetic location: 14q32.11.
Variant type: single nucleotide variant.
Coding change: c.4383C>G on transcript NM_001080414.4 (MANE Select); coding-DNA position 4383, C replaced by G.
Protein change: p.Pro1461=; no amino-acid change (proline 1461 retained).
Molecular consequence: synonymous variant.
Genome position (GRCh38, 1-based): chr14:91,289,163, G>C on the plus strand (C>G on the coding strand, the complement: CCDC88C is on the minus strand). VCF-style: chr14-91289163-G-C. GRCh37 (hg19) VCF-style: chr14-91755507-G-C.
Identifiers: ClinVar variation 764927 (VCV000764927.9), dbSNP rs374856540, ClinGen allele CA7309027.

ClinVar aggregate classification (germline): Likely benign. Review status: criteria provided, single submitter (1 of 4 stars). 2 submissions from 2 submitters: Likely benign (1). 1 of the submissions does not count toward it. Last evaluated 2026-01-19.

Conditions:
CCDC88C-related disorder. Also called: CCDC88C-related condition; CCDC88C-Related Disorders.

Allele frequency attached by ClinVar (database versions not stated): TOPMed 0.00005; gnomAD 0.00007 and 0.00008; ESP Exome Variant Server 0.00008.
gnomAD v4.1: 134 of 1,613,636 alleles (0.0083%); highest among the groups gnomAD compares: Non-Finnish European, 0.011%; no homozygotes.

Submissions (2):

Labcorp Genetics (formerly Invitae), Labcorp
Classification: Likely benign. Last evaluated: 2026-01-19. Review status: criteria provided, single submitter. Criteria: Invitae Variant Classification Sherloc (09022015). Collection method: clinical testing. Allele origin: germline.

PreventionGenetics, part of Exact Sciences
Classification: Likely benign for CCDC88C-related condition. Last evaluated: 2024-02-09. Review status: no assertion criteria provided. Collection method: clinical testing. Allele origin: germline. Not counted in ClinVar's aggregate classification.
Comment: This variant is classified as likely benign based on ACMG/AMP sequence variant interpretation guidelines (Richards et al. 2015 PMID: 25741868, with internal and published modifications).